The following is an entry in ClinVar:

NM_001873.4(CPE):c.551G>A (p.Gly184Glu)

Gene: CPE (carboxypeptidase E; plus strand). Cytogenetic location: 4q32.3.
Variant type: single nucleotide variant.
Coding change: c.551G>A on transcript NM_001873.4 (MANE Select); coding-DNA position 551, G replaced by A.
Protein change: p.Gly184Glu; replaces glycine 184 with glutamic acid.
Molecular consequence: missense variant.
Genome position (GRCh38, 1-based): chr4:165,467,734, G>A. VCF-style: chr4-165467734-G-A. GRCh37 (hg19) VCF-style: chr4-166388886-G-A.
Other names: short protein forms G184E.
Identifiers: ClinVar variation 3351400 (VCV003351400.1).

ClinVar aggregate classification (germline): Uncertain significance (0 of 4 stars; one submission).

Conditions:
CPE-related disorder. Also called: CPE-related condition.

gnomAD v4.1: 8 of 1,613,402 alleles (0.0005%); highest among the groups gnomAD compares: Non-Finnish European, 0.00068%; no homozygotes.

Submission:

PreventionGenetics, part of Exact Sciences
Classification: Uncertain significance for CPE-related condition. Last evaluated: 2024-04-09. Review status: no assertion criteria provided. Collection method: clinical testing. Allele origin: germline.
Comment: The CPE c.551G>A variant is predicted to result in the amino acid substitution p.Gly184Glu. To our knowledge, this variant has not been reported in the literature. This variant is reported in 0.00088% of alleles in individuals of European (Non-Finnish) descent in gnomAD. At this time, the clinical significance of this variant is uncertain due to the absence of conclusive functional and genetic evidence.